The following is an entry in ClinVar:

NM_015294.6(TRIM37):c.145G>A (p.Ala49Thr)

Gene: TRIM37 (tripartite motif containing 37; minus strand). Cytogenetic location: 17q22.
Variant type: single nucleotide variant.
Coding change: c.145G>A on transcript NM_015294.6 (MANE Select); coding-DNA position 145, G replaced by A.
Protein change: p.Ala49Thr; replaces alanine 49 with threonine.
Molecular consequence: missense variant. On other transcripts: 5 prime UTR variant (3), non-coding transcript variant (2).
Genome position (GRCh38, 1-based): chr17:59,091,319, C>T on the plus strand (G>A on the coding strand, the complement: TRIM37 is on the minus strand). VCF-style: chr17-59091319-C-T. GRCh37 (hg19) VCF-style: chr17-57168680-C-T.
Other names: c.145G>A, p.Ala49Thr (NM_001005207.5, NM_001320988.3, NM_001320989.3 and 2 more transcripts); c.43G>A, p.Ala15Thr (NM_001320987.3, NM_001353082.2); c.-298G>A (NM_001320990.3); c.-608G>A (NM_001353083.2); c.-230G>A (NM_001353085.2); short protein forms A15T, A49T.
Identifiers: ClinVar variation 5038417 (VCV005038417.1).
Genomic context (GRCh38, chr17:59,091,319, plus strand): 5'-CTATTTTCAAAATTCACAAATAATCGTAAGGAAACACTTACCGGCAATGAGGACATTGAG[C>T]TCTCTGCTCTGTCAGCCAGCGCTAAGGGGGCAAAAGATTAGATATCGATTAGAAAACATC-3'
Protein context (NP_056109.1, residues 39-59): CIRRWLTEQR[Ala49Thr]QCPHCRAPLQ

ClinVar aggregate classification (germline): Uncertain significance (1 of 4 stars; one submission).

Conditions:
Mulibrey nanism syndrome. Also called: MUSCLE-LIVER-BRAIN-EYE NANISM; PERHEENTUPA SYNDROME; PERICARDIAL CONSTRICTION AND GROWTH FAILURE. Identifiers: Orphanet 2576, MedGen C0524582, MONDO:0009664, OMIM 253250.

Submission:

St. Jude Molecular Pathology, St. Jude Children's Research Hospital
Classification: Uncertain significance for Mulibrey nanism syndrome. Last evaluated: 2026-10-01. Review status: criteria provided, single submitter. Criteria: St. Jude Assertion Criteria 2020. Collection method: clinical testing. Allele origin: germline.
Comment: The TRIM37 c.145G>A p.(Ala49Thr) missense change is absent in gnomAD v2.1.1. The in silico tool REVEL predicts a benign effect on protein function, but to our knowledge this prediction has not been confirmed by functional studies. To our knowledge, this variant has not been re ported in individuals with Mulibrey nanism. In summary, the evidence currently available is insufficient to determine the clinical significance of this variant. It has therefore been classified as of uncertain significance...